The following is an entry in ClinVar:

NM_006180.6(NTRK2):c.56G>A (p.Cys19Tyr)

Gene: NTRK2 (neurotrophic receptor tyrosine kinase 2; plus strand). Cytogenetic location: 9q21.33.
Variant type: single nucleotide variant.
Coding change: c.56G>A on transcript NM_006180.6 (MANE Select); coding-DNA position 56, G replaced by A.
Protein change: p.Cys19Tyr; replaces cysteine 19 with tyrosine.
Molecular consequence: missense variant.
Genome position (GRCh38, 1-based): chr9:84,670,804, G>A. VCF-style: chr9-84670804-G-A. GRCh37 (hg19) VCF-style: chr9-87285719-G-A.
Other names: c.56G>A, p.Cys19Tyr (NM_001007097.3, NM_001018064.3, NM_001018065.2 and 19 more transcripts); short protein forms C19Y.
Identifiers: ClinVar variation 2629382 (VCV002629382.3), dbSNP rs200698390, ClinGen allele CA374004639.
Genomic context (GRCh38, chr9:84,670,804, plus strand): 5'-TAGGGATGTCGTCCTGGATAAGGTGGCATGGACCCGCCATGGCGCGGCTCTGGGGCTTCT[G>A]CTGGCTGGTTGTGGGCTTCTGGAGGGCCGCTTTCGCCTGTCCCACGTCCTGCAAATGCAG-3'
Protein context (NP_006171.2, residues 9-29): GPAMARLWGF[Cys19Tyr]WLVVGFWRAA

ClinVar aggregate classification (germline): Uncertain significance. Review status: criteria provided, multiple submitters, no conflicts (2 of 4 stars). 2 submissions from 2 submitters: Uncertain significance (2). Last evaluated 2024-11-18.

Conditions:
NTRK2-related disorder. Also called: NTRK2-related condition.
Developmental and epileptic encephalopathy, 58. Also called: EPILEPTIC ENCEPHALOPATHY, EARLY INFANTILE, 58. Identifiers: MedGen C4693367, MONDO:0033367, OMIM 617830.

Allele frequency attached by ClinVar (database versions not stated): gnomAD 0.00001.
gnomAD v4.1: 1 of 1,613,974 alleles (0.000062%); highest among the groups gnomAD compares: Admixed American, 0.0017%; no homozygotes.

Submissions (2):

Servicio de Genética Del Instituto Nacional de Salud Del Niño, Ministerio de Salud
Classification: Uncertain significance for Developmental and epileptic encephalopathy, 58. Last evaluated: 2024-11-18. Review status: criteria provided, single submitter. Criteria: ACMG Guidelines, 2015. Collection method: clinical testing. Allele origin: germline. Inheritance: Autosomal dominant inheritance.
Comment: The variant NM_006180.6:c.56G>A results in the substitution of cysteine with tyrosine at position 19 in the protein. Cysteine is a sulfur-containing amino acid, while tyrosine is aromatic and polar, which could potentially affect the protein's structure or function, particularly if the cysteine residue is involved in disulfide bonding. Based on PP2 (observed in a gene with a known functional effect) and PM2 (absence from controls or databases), this variant is classified as of uncertain significance (VUS).

PreventionGenetics, part of Exact Sciences
Classification: Uncertain significance for NTRK2-related condition. Last evaluated: 2022-08-18. Review status: criteria provided, single submitter. Criteria: ACMG Guidelines, 2015. Collection method: clinical testing. Allele origin: germline.
Comment: The NTRK2 c.56G>A variant is predicted to result in the amino acid substitution p.Cys19Tyr. To our knowledge, this variant has not been reported in the literature or in a large population database, indicating this variant is rare. At this time, the clinical significance of this variant is uncertain due to the absence of conclusive functional and genetic evidence.